The following is an entry in ClinVar:

NM_017763.6(RNF43):c.2182_2183insAA (p.Cys728Ter)

Gene: RNF43 (ring finger protein 43; minus strand). Cytogenetic location: 17q22.
Variant type: Insertion.
Coding change: c.2182_2183insAA on transcript NM_017763.6 (MANE Select); coding-DNA positions 2182 to 2183, AA inserted.
Protein change: p.Cys728Ter; replaces cysteine 728 with a stop codon.
Molecular consequence: nonsense. On other transcripts: frameshift variant (2).
Genome position: GRCh38 VCF-style: chr17-58357593-C-CTT. GRCh37 (hg19) VCF-style: chr17-56434954-C-CTT.
Other names: c.2182_2183insAA, p.Cys728Terfs (NM_001305544.3); c.1801_1802insAA, p.Cys601Terfs (NM_001305545.2); short protein forms C728*, C601*.
Identifiers: ClinVar variation 1505195 (VCV001505195.7), dbSNP rs1373662375, ClinGen allele CA773534549.

ClinVar aggregate classification (germline): Uncertain significance. Review status: criteria provided, multiple submitters, no conflicts (2 of 4 stars). 2 submissions from 2 submitters: Uncertain significance (2). Last evaluated 2025-08-09.

Conditions:
Sessile serrated polyposis cancer syndrome (SSPCS). Identifiers: Orphanet 157798, MedGen C4310714, MONDO:0014919, OMIM 617108.

Allele frequency attached by ClinVar (database versions not stated): TOPMed below 0.00001.

Submissions (2):

Labcorp Genetics (formerly Invitae), Labcorp
Classification: Uncertain significance. Last evaluated: 2025-08-09. Review status: criteria provided, single submitter. Criteria: Invitae Variant Classification Sherloc (09022015). Collection method: clinical testing. Allele origin: germline.
Comment: This sequence change creates a premature translational stop signal (p.Cys728*) in the RNF43 gene. It is expected to result in an absent or disrupted protein product. However, the current clinical and genetic evidence is not sufficient to establish whether loss-of-function variants in RNF43 cause disease. This variant is not present in population databases (gnomAD no frequency). This variant has not been reported in the literature in individuals affected with RNF43-related conditions. ClinVar contains an entry for this variant (Variation ID: 1505195). Experimental studies and prediction algorithms are not available or were not evaluated, and the functional significance of this variant is currently unknown. In summary, the available evidence is currently insufficient to determine the role of this variant in disease. Therefore, it has been classified as a Variant of Uncertain Significance.

Baylor Genetics
Classification: Uncertain significance for Sessile serrated polyposis cancer syndrome. Last evaluated: 2023-06-21. Review status: criteria provided, single submitter. Criteria: ACMG Guidelines, 2015. Collection method: clinical testing. Allele origin: unknown.